The following is an entry in ClinVar:

NM_181303.2(NLGN3):c.440A>G (p.Tyr147Cys)

Gene: NLGN3 (neuroligin 3; plus strand). Cytogenetic location: Xq13.1.
Variant type: single nucleotide variant.
Coding change: c.440A>G on transcript NM_181303.2 (MANE Select); coding-DNA position 440, A replaced by G.
Protein change: p.Tyr147Cys; replaces tyrosine 147 with cysteine.
Molecular consequence: missense variant.
Genome position (GRCh38, 1-based): chrX:71,148,189, A>G. VCF-style: chrX-71148189-A-G. GRCh37 (hg19) VCF-style: chrX-70368039-A-G.
Other names: c.440A>G, p.Tyr147Cys (NM_001166660.2, NM_018977.4); c.89A>G, p.Tyr30Cys (NM_001321276.2, NM_001437941.1, NM_001438296.1 and 1 more transcripts); short protein forms Y147C, Y30C.
Identifiers: ClinVar variation 4527872 (VCV004527872.1).
Genomic context (GRCh38, chrX:71,148,189, plus strand): 5'-TGGATATCGTCGCTACTTACATCCAGGAGCCCAACGAAGACTGTCTCTACCTGAACGTCT[A>G]TGTGCCGACGGAGGATGGTGAGTGCTGCGGCCAGGCACTGTGCCCTCCCTGCCTCCCGCC-3'
Protein context (NP_851820.1, residues 137-157): PNEDCLYLNV[Tyr147Cys]VPTEDVKRIS

ClinVar aggregate classification (germline): Uncertain significance (1 of 4 stars; one submission).

Submission:

GeneDx
Classification: Uncertain significance. Last evaluated: 2025-05-05. Review status: criteria provided, single submitter. Criteria: GeneDx Variant Classification Process June 2021. Collection method: clinical testing. Allele origin: germline. Affected: yes.
Comment: Not observed at significant frequency in large population cohorts (gnomAD); In silico analysis supports that this missense variant has a deleterious effect on protein structure/function; Has not been previously published as pathogenic or benign to our knowledge